The following is an entry in ClinVar:

NM_000458.4(HNF1B):c.928C>T (p.Arg310Trp)

Gene: HNF1B (HNF1 homeobox B; minus strand). Cytogenetic location: 17q12.
Variant type: single nucleotide variant.
Coding change: c.928C>T on transcript NM_000458.4 (MANE Select); coding-DNA position 928, C replaced by T.
Protein change: p.Arg310Trp; replaces arginine 310 with tryptophan.
Molecular consequence: missense variant.
Genome position (GRCh38, 1-based): chr17:37,731,712, G>A on the plus strand (C>T on the coding strand, the complement: HNF1B is on the minus strand). VCF-style: chr17-37731712-G-A. GRCh37 (hg19) VCF-style: chr17-36091703-G-A.
Other names: p.Arg310Trp; c.850C>T, p.Arg284Trp (NM_001165923.4, NM_001304286.2); short protein forms R284W, R310W.
Identifiers: ClinVar variation 890837 (VCV000890837.9), dbSNP rs988279557, ClinGen allele CA290282089.

ClinVar aggregate classification (germline): Uncertain significance. Review status: criteria provided, multiple submitters, no conflicts (2 of 4 stars). 3 submissions from 3 submitters: Uncertain significance (2). 1 of the submissions does not count toward it. Last evaluated 2021-10-25.

Conditions:
Maturity-onset diabetes of the young (MODY). Also called: Maturity onset diabetes mellitus in young. Identifiers: Orphanet 552, MedGen C0342276, MONDO:0018911, HP:0004904.
Renal cysts and diabetes syndrome (RCAD). Also called: Familial hypoplastic, glomerulocystic kidney; MATURITY-ONSET DIABETES OF THE YOUNG, TYPE 5. Identifiers: Orphanet 93111, MedGen C0431693, MONDO:0007669, OMIM 137920.

Allele frequency attached by ClinVar (database versions not stated): gnomAD exomes below 0.00001.
gnomAD v4.1: 2 of 1,614,152 alleles (0.00012%); highest among the groups gnomAD compares: Non-Finnish European, 0.00017%; no homozygotes.

Submissions (3):

Mayo Clinic Laboratories, Mayo Clinic
Classification: Uncertain significance. Last evaluated: 2021-10-25. Review status: criteria provided, single submitter. Criteria: ACMG Guidelines, 2015. Collection method: clinical testing. Allele origin: germline.

Illumina Laboratory Services, Illumina
Classification: Uncertain significance for Renal cysts and diabetes syndrome. Last evaluated: 2018-01-13. Review status: criteria provided, single submitter. Criteria: ICSL Variant Classification Criteria 13 December 2019. Collection method: clinical testing. Allele origin: germline.

Clinical Genomics, Uppaluri K&H Personalized Medicine Clinic
Classification: Likely risk allele for Maturity-onset diabetes of the young. Review status: flagged submission. Criteria: K & H Uppaluri Personalized Medicine Clinic Variant Classification & Assertion Criteria_Updated V.1. Collection method: research. Allele origin: unknown. Inheritance: Autosomal dominant inheritance. Not counted in ClinVar's aggregate classification.
Comment: HNF1B gene mutations are associated with early onset diabetes and pancreatic atrophy. It is also associated with multiple renal manifestations including renal cysts, Tubulointerstitial disease, glomerulocystic disease, renal hypoplasia, hypomagnesemia. However no sufficient evidence is found to ascertain the role of this particular variant rs988279557, yet.
ClinVar note: Notes: Conflict between likely pathogenic and uncertain significance. VCEP should evaluate.
ClinVar note: Reason: Claim with insufficient supporting evidence

Literature cited by the submitters: PubMed 24897035 (cited by Clinical Genomics, Uppaluri K&H Personalized Medicine Clinic); PubMed 25536396 (cited by Clinical Genomics, Uppaluri K&H Personalized Medicine Clinic); PubMed 27615128 (cited by Clinical Genomics, Uppaluri K&H Personalized Medicine Clinic); PubMed 28215227 (cited by Clinical Genomics, Uppaluri K&H Personalized Medicine Clinic); PubMed 33434175 (cited by Clinical Genomics, Uppaluri K&H Personalized Medicine Clinic); PubMed 25741167 (cited by Clinical Genomics, Uppaluri K&H Personalized Medicine Clinic); PubMed 26340261 (cited by Clinical Genomics, Uppaluri K&H Personalized Medicine Clinic); PubMed 19639018 (cited by Clinical Genomics, Uppaluri K&H Personalized Medicine Clinic).